The following is an entry in ClinVar:

NM_015378.4(VPS13D):c.4564A>G (p.Ile1522Val)

Gene: VPS13D (vacuolar protein sorting 13 homolog D; plus strand). Cytogenetic location: 1p36.22.
Variant type: single nucleotide variant.
Coding change: c.4564A>G on transcript NM_015378.4 (MANE Select); coding-DNA position 4564, A replaced by G.
Protein change: p.Ile1522Val; replaces isoleucine 1522 with valine.
Molecular consequence: missense variant.
Genome position (GRCh38, 1-based): chr1:12,279,612, A>G. VCF-style: chr1-12279612-A-G. GRCh37 (hg19) VCF-style: chr1-12339669-A-G.
Other names: c.4564A>G, p.Ile1522Val (NM_018156.4); short protein forms I1522V.
Identifiers: ClinVar variation 1382232 (VCV001382232.6), dbSNP rs1219643103, ClinGen allele CA338479863.

ClinVar aggregate classification (germline): Uncertain significance (1 of 4 stars; one submission).

Allele frequency attached by ClinVar (database versions not stated): gnomAD exomes 0.00002 and 0.00003; TOPMed 0.00002.
gnomAD v4.1: 21 of 1,612,674 alleles (0.0013%); highest among the groups gnomAD compares: East Asian, 0.045%; no homozygotes.

Submission:

Labcorp Genetics (formerly Invitae), Labcorp
Classification: Uncertain significance. Last evaluated: 2021-03-23. Review status: criteria provided, single submitter. Criteria: Invitae Variant Classification Sherloc (09022015). Collection method: clinical testing. Allele origin: germline.
Comment: In summary, the available evidence is currently insufficient to determine the role of this variant in disease. Therefore, it has been classified as a Variant of Uncertain Significance. Algorithms developed to predict the effect of missense changes on protein structure and function (SIFT, PolyPhen-2, Align-GVGD) all suggest that this variant is likely to be tolerated, but these predictions have not been confirmed by published functional studies and their clinical significance is uncertain. This variant has not been reported in the literature in individuals with VPS13D-related conditions. This variant is not present in population databases (ExAC no frequency). This sequence change replaces isoleucine with valine at codon 1522 of the VPS13D protein (p.Ile1522Val). The isoleucine residue is moderately conserved and there is a small physicochemical difference between isoleucine and valine.